The following is an entry in ClinVar:

NM_015512.5(DNAH1):c.11971G>A (p.Val3991Ile)

Gene: DNAH1 (dynein axonemal heavy chain 1; plus strand). Cytogenetic location: 3p21.1.
Variant type: single nucleotide variant.
Coding change: c.11971G>A on transcript NM_015512.5 (MANE Select); coding-DNA position 11971, G replaced by A.
Protein change: p.Val3991Ile; replaces valine 3991 with isoleucine.
Molecular consequence: missense variant.
Genome position (GRCh38, 1-based): chr3:52,398,044, G>A. VCF-style: chr3-52398044-G-A. GRCh37 (hg19) VCF-style: chr3-52432060-G-A.
Other names: c.11971G>A (NM_015512.4); short protein forms V3991I.
Identifiers: ClinVar variation 1385471 (VCV001385471.7), dbSNP rs779098163, ClinGen allele CA2436353.

ClinVar aggregate classification (germline): Conflicting classifications of pathogenicity. Review status: criteria provided, conflicting classifications (1 of 4 stars). 2 submissions from 2 submitters: Uncertain significance (1); Likely benign (1). Last evaluated 2022-05-26.

Conditions:
Spermatogenic failure 18. Identifiers: MedGen C4539783, MONDO:0054615, OMIM 617576.
Ciliary dyskinesia, primary, 37 (CILD37). Also called: CILIARY DYSKINESIA, PRIMARY, 37, WITH OR WITHOUT SITUS INVERSUS. Identifiers: MedGen C4539798, MONDO:0033204, OMIM 617577.

Allele frequency attached by ClinVar (database versions not stated): gnomAD 0.00001; gnomAD exomes 0.00002 and 0.00003; ExAC 0.00003; TOPMed 0.00003.

Submissions (2):

Ambry Genetics
Classification: Likely benign. Last evaluated: 2022-05-26. Review status: criteria provided, single submitter. Criteria: Ambry Variant Classification Scheme 2023. Collection method: clinical testing. Allele origin: germline.

Labcorp Genetics (formerly Invitae), Labcorp
Classification: Uncertain significance for Ciliary dyskinesia, primary, 37; Spermatogenic failure 18. Last evaluated: 2021-10-08. Review status: criteria provided, single submitter. Criteria: Invitae Variant Classification Sherloc (09022015). Collection method: clinical testing. Allele origin: germline.
Comment: In summary, the available evidence is currently insufficient to determine the role of this variant in disease. Therefore, it has been classified as a Variant of Uncertain Significance. This sequence change replaces valine with isoleucine at codon 3991 of the DNAH1 protein (p.Val3991Ile). The valine residue is moderately conserved and there is a small physicochemical difference between valine and isoleucine. This variant is present in population databases (rs779098163, ExAC 0.02%). This variant has not been reported in the literature in individuals affected with DNAH1-related conditions. Algorithms developed to predict the effect of missense changes on protein structure and function output the following: SIFT: "Tolerated"; PolyPhen-2: "Benign"; Align-GVGD: "Class C0". The isoleucine amino acid residue is found in multiple mammalian species, which suggests that this missense change does not adversely affect protein function.